The following is an entry in ClinVar:

ClinVar aggregate classification (germline): Conflicting classifications of pathogenicity. Review status: criteria provided, conflicting classifications (1 of 4 stars). 4 submissions from 4 submitters: Uncertain significance (3); Likely benign (1). Last evaluated 2024-01-17.

Conditions:
Inborn genetic diseases. Identifiers: MedGen C0950123, MeSH D030342.
Neuropathy, hereditary sensory, type 2C. Also called: Hereditary sensory and autonomic neuropathy type IIC; KIF1A-Related HSAN2 (HSAN2C). Identifiers: Orphanet 970, MedGen C3280168, MONDO:0013634, OMIM 614213.
Intellectual disability, autosomal dominant 9 (NESCAVS). Also called: KIF1A-Related Neurodevelopmental Disorder; NESCAV SYNDROME. Identifiers: Orphanet 662367, MedGen C5393830, MONDO:0013656, OMIM 614255.
Hereditary spastic paraplegia 30. Identifiers: Orphanet 101010, MedGen C5235139, MONDO:0012476.

Allele frequency attached by ClinVar (database versions not stated): gnomAD exomes below 0.00001 and 0.00001; gnomAD 0.00001 and 0.00002; TOPMed 0.00001.
gnomAD v4.1: 10 of 1,612,312 alleles (0.00062%); highest among the groups gnomAD compares: Non-Finnish European, 0.00076%; no homozygotes.

Submissions (4):

Labcorp Genetics (formerly Invitae), Labcorp
Classification: Likely benign for Hereditary spastic paraplegia 30; Neuropathy, hereditary sensory, type 2C; Intellectual disability, autosomal dominant 9. Last evaluated: 2024-01-17. Review status: criteria provided, single submitter. Criteria: Invitae Variant Classification Sherloc (09022015). Collection method: clinical testing. Allele origin: germline.

Ambry Genetics
Classification: Uncertain significance for Inborn genetic diseases. Last evaluated: 2022-06-29. Review status: criteria provided, single submitter. Criteria: Ambry Variant Classification Scheme 2023. Collection method: clinical testing. Allele origin: germline.
Comment: The p.A1723T variant (also known as c.5167G>A), located in coding exon 46 of the KIF1A gene, results from a G to A substitution at nucleotide position 5167. The alanine at codon 1723 is replaced by threonine, an amino acid with similar properties. This amino acid position is poorly conserved in available vertebrate species. In addition, this alteration is predicted to be tolerated by in silico analysis. The evidence for this gene-disease relationship is limited; therefore, the clinical significance of this alteration is unclear.

Blueprint Genetics
Classification: Uncertain significance. Last evaluated: 2019-01-11. Review status: criteria provided, single submitter. Criteria: ACMG Guidelines, 2015. Collection method: clinical testing. Allele origin: germline.

GeneDx
Classification: Uncertain significance. Last evaluated: 2015-03-27. Review status: criteria provided, single submitter. Criteria: GeneDx Variant Classification (06012015). Collection method: clinical testing. Allele origin: germline. Affected: yes.
Comment: The A1723T variant has not been published as a mutation, nor has it been reported as a benign polymorphism to our knowledge. It was not observed in approximately 6,500 individuals of European and African American ancestry in the NHLBI Exome Sequencing Project, indicating it is not a common benign variant in these populations. The A1723T variant is a non-conservative amino acid substitution, which is likely to impact secondary protein structure as these residues differ in polarity, charge, size and/or other properties. However, this substitution occurs at a position that is not conserved across species. Additionally, this amino acid substitution does not occur within the predicted motor domain of the protein, where all pathogenic missense KIF1A mutations have been identified to-date (Lee et al., 2014). In silico analysis is inconsistent in its predictions as to whether or not the variant is damaging to the protein structure/function. Therefore, based on the currently available information, it is unclear whether this variant is a pathogenic mutation or a rare benign variant.

NM_001244008.2(KIF1A):c.5167G>A (p.Ala1723Thr)

Gene: KIF1A (kinesin family member 1A; minus strand). Cytogenetic location: 2q37.3.
Variant type: single nucleotide variant.
Coding change: c.5167G>A on transcript NM_001244008.2 (MANE Select); coding-DNA position 5167, G replaced by A.
Protein change: p.Ala1723Thr; replaces alanine 1723 with threonine.
Molecular consequence: missense variant.
Genome position (GRCh38, 1-based): chr2:240,719,053, C>T on the plus strand (G>A on the coding strand, the complement: KIF1A is on the minus strand). VCF-style: chr2-240719053-C-T. GRCh37 (hg19) VCF-style: chr2-241658470-C-T.
Other names: c.4891G>A, p.Ala1631Thr (NM_001320705.2, NM_001379649.1); c.4918G>A, p.Ala1640Thr (NM_001330289.2); c.4966G>A, p.Ala1656Thr (NM_001330290.2, NM_001379648.1); c.5242G>A, p.Ala1748Thr (NM_001379631.1); c.5143G>A, p.Ala1715Thr (NM_001379632.1); c.5140G>A, p.Ala1714Thr (NM_001379633.1, NM_001379645.1); c.4993G>A, p.Ala1665Thr (NM_001379634.1); c.4990G>A, p.Ala1664Thr (NM_001379635.1, NM_001379646.1); and 7 more; short protein forms A1622T, A1723T, A1631T, A1640T, A1656T, A1621T, A1630T, A1639T.
Identifiers: ClinVar variation 245691 (VCV000245691.16), dbSNP rs879253903, ClinGen allele CA10584187.